The following is an entry in ClinVar:

ClinVar aggregate classification (germline): Uncertain significance (1 of 4 stars; one submission).

Allele frequency attached by ClinVar (database versions not stated): gnomAD exomes below 0.00001; ExAC 0.00001.

Submission:

GeneDx
Classification: Uncertain significance. Last evaluated: 2014-07-30. Review status: criteria provided, single submitter. Criteria: GeneDx Variant Classification (06012015). Collection method: clinical testing. Allele origin: germline. Affected: yes.
Comment: p.Ile485Val (I485V) ATC>GTC: c.1453 A>G in exon 10 of the FBN2 gene (NM_001999.3) The I485V variant has not been published as a mutation, nor has it been reported as a benign polymorphism to our knowledge. The I485V variant was not observed in approximately 6,500 individuals of European and African American ancestry in the NHLBI Exome Sequencing Project, indicating it is not a common benign variant in these populations. Moreover, this substitution occurs at a position that is conserved across species. However, the I485V variant is a conservative amino acid substitution, which is not likely to impact secondary protein structure as these residues share similar properties. Additionally, in silico analysis is inconsistent in its predictions as to whether or not the variant is damaging to the protein structure/function. Furthermore, no missense mutations in nearby residues have been reported, indicating this region of the protein may be tolerant of change. Therefore, based on the currently available information, it is unclear whether this variant is a pathogenic mutation or a rare benign variant. This variant was found in TAAD,FBN2

NM_001999.4(FBN2):c.1453A>G (p.Ile485Val)

Gene: FBN2 (fibrillin 2; minus strand). Cytogenetic location: 5q23.3.
Variant type: single nucleotide variant.
Coding change: c.1453A>G on transcript NM_001999.4 (MANE Select); coding-DNA position 1453, A replaced by G.
Protein change: p.Ile485Val; replaces isoleucine 485 with valine.
Molecular consequence: missense variant.
Genome position (GRCh38, 1-based): chr5:128,393,147, T>C on the plus strand (A>G on the coding strand, the complement: FBN2 is on the minus strand). VCF-style: chr5-128393147-T-C. GRCh37 (hg19) VCF-style: chr5-127728840-T-C.
Other names: short protein forms I485V.
Identifiers: ClinVar variation 213273 (VCV000213273.2), dbSNP rs772773731, ClinGen allele CA320457.
Genomic context (GRCh38, chr5:128,393,147, plus strand): 5'-CACTTGAGGCAGGAAACTAAAGAGTCCACAGGAAAACTGACCACTTACTTAGTCCAGTGA[T>C]GATAGGTCCCTGTCCCCCGGCCCCCACACCGGCTCCCCCAACGCCAGGAGAAAAGCCATT-3'
Protein context (NP_001990.2, residues 475-495): GVGAGGQGPI[Ile485Val]TGLTILNQTI